The following is an entry in ClinVar:

NM_144573.4(NEXN):c.613G>A (p.Glu205Lys)

Gene: NEXN (nexilin F-actin binding protein; plus strand). Cytogenetic location: 1p31.1.
Variant type: single nucleotide variant.
Coding change: c.613G>A on transcript NM_144573.4 (MANE Select); coding-DNA position 613, G replaced by A.
Protein change: p.Glu205Lys; replaces glutamic acid 205 with lysine.
Molecular consequence: missense variant.
Genome position (GRCh38, 1-based): chr1:77,926,537, G>A. VCF-style: chr1-77926537-G-A. GRCh37 (hg19) VCF-style: chr1-78392222-G-A.
Other names: p.E205K:GAG>AAG; c.421G>A, p.Glu141Lys (NM_001172309.2); short protein forms E205K, E141K.
Identifiers: ClinVar variation 47908 (VCV000047908.25), dbSNP rs201447781, ClinGen allele CA142161.

ClinVar aggregate classification (germline): Conflicting classifications of pathogenicity. Review status: criteria provided, conflicting classifications (1 of 4 stars). 11 submissions from 11 submitters: Uncertain significance (8); Likely benign (3). Last evaluated 2026-06-12.

Conditions:
NEXN-related disorder. Also called: NEXN-related disorders; NEXN-related condition.
Cardiovascular phenotype. Identifiers: MedGen CN230736.
Hypertrophic cardiomyopathy 20. Identifiers: MedGen C3151267, MONDO:0013477, OMIM 613876.
Dilated cardiomyopathy 1CC (CMD1CC). Identifiers: Orphanet 154, MedGen C2751084, MONDO:0013147, OMIM 613122.
Cardiomyopathy (CMYO). Also called: Cardiomyopathies. Identifiers: Orphanet 167848, MedGen C0878544, MONDO:0004994, HP:0001638. Inheritance: Various modes of inheritance.

Allele frequency attached by ClinVar (database versions not stated): ExAC 0.00019; gnomAD exomes 0.00022 and 0.00058; 1000 Genomes Project 30x 0.00031; ESP Exome Variant Server 0.00034; gnomAD 0.00034 and 0.00035; 1000 Genomes Project 0.00040; TOPMed 0.00040.

Submissions (11):

PreventionGenetics, part of Exact Sciences
Classification: Uncertain significance for NEXN-related condition. Last evaluated: 2026-06-12. Review status: criteria provided, single submitter. Criteria: ACMG Guidelines, 2015. Collection method: clinical testing. Allele origin: germline.
Comment: The NEXN c.613G>A variant is predicted to result in the amino acid substitution p.Glu205Lys. To our knowledge, this variant has not been reported in the literature. This variant is reported in 0.048% of alleles in individuals of European (Non-Finnish) descent in gnomAD. At this time, the clinical significance of this variant is uncertain due to the absence of conclusive functional and genetic evidence.

Molecular Diagnostic Laboratory for Inherited Cardiovascular Disease, Montreal Heart Institute
Classification: Likely benign. Last evaluated: 2026-03-27. Review status: criteria provided, single submitter. Criteria: ACMG Guidelines, 2015. Collection method: clinical testing. Allele origin: germline. Affected: no.

Revvity Omics, Revvity
Classification: Uncertain significance. Last evaluated: 2025-03-07. Review status: criteria provided, single submitter. Criteria: ACMG Guidelines, 2015. Collection method: clinical testing. Allele origin: germline.

Mayo Clinic Laboratories, Mayo Clinic
Classification: Likely benign. Last evaluated: 2025-02-04. Review status: criteria provided, single submitter. Criteria: ACMG Guidelines, 2015. Collection method: clinical testing. Allele origin: germline. Observed: 2 variant alleles.
Comment: BS1, BP4

Labcorp Genetics (formerly Invitae), Labcorp
Classification: Uncertain significance for Dilated cardiomyopathy 1CC; Hypertrophic cardiomyopathy 20. Last evaluated: 2025-01-28. Review status: criteria provided, single submitter. Criteria: Invitae Variant Classification Sherloc (09022015). Collection method: clinical testing. Allele origin: germline.
Comment: This sequence change replaces glutamic acid, which is acidic and polar, with lysine, which is basic and polar, at codon 205 of the NEXN protein (p.Glu205Lys). This variant is present in population databases (rs201447781, gnomAD 0.05%). This missense change has been observed in individual(s) with Brugada syndrome and/or cardiomyopathy (PMID: 31847883, 38489124). ClinVar contains an entry for this variant (Variation ID: 47908). Invitae Evidence Modeling of protein sequence and biophysical properties (such as structural, functional, and spatial information, amino acid conservation, physicochemical variation, residue mobility, and thermodynamic stability) has been performed for this missense variant. However, the output from this modeling did not meet the statistical confidence thresholds required to predict the impact of this variant on NEXN protein function. In summary, the available evidence is currently insufficient to determine the role of this variant in disease. Therefore, it has been classified as a Variant of Uncertain Significance.

Women's Health and Genetics/Laboratory Corporation of America, LabCorp
Classification: Uncertain significance. Last evaluated: 2024-10-15. Review status: criteria provided, single submitter. Criteria: LabCorp Variant Classification Summary - May 2015. Collection method: clinical testing. Allele origin: germline.
Comment: Variant summary: NEXN c.613G>A (p.Glu205Lys) results in a conservative amino acid change in the encoded protein sequence. Three of five in-silico tools predict a damaging effect of the variant on protein function. The variant allele was found at a frequency of 0.00022 in 249122 control chromosomes. The observed variant frequency is approximately 9-fold of the estimated maximal expected allele frequency for a pathogenic variant in NEXN causing Cardiomyopathy phenotype (2.5e-05). c.613G>A has been reported in the literature in individuals affected with Brugada syndrome, sudden cardiac death, or surviving cardiac arrest, frequently reported as VUS, once as possibly pathogenic, but in the presence of other variants realted to cardiovascular disease (e.g. Seidelmann_2018, Mellor_2017, Salfati_2019, Murphy_2024). These reports do not provide unequivocal conclusions about association of the variant with Cardiomyopathy. To our knowledge, no experimental evidence demonstrating an impact on protein function has been reported. The following publications have been ascertained in the context of this evaluation (PMID: 28600387, 38489124, 31847883, 28087566). ClinVar contains an entry for this variant (Variation ID: 47908). Based on the evidence outlined above, the variant was classified as VUS-possibly benign.

Blueprint Genetics
Classification: Likely benign. Last evaluated: 2024-07-25. Review status: criteria provided, single submitter. Criteria: ACMG Guidelines, 2015. Collection method: clinical testing. Allele origin: germline.

GeneDx
Classification: Uncertain significance. Last evaluated: 2023-10-27. Review status: criteria provided, single submitter. Criteria: GeneDx Variant Classification Process June 2021. Collection method: clinical testing. Allele origin: germline. Affected: yes.
Comment: Reported in two individuals with sudden cardiac arrest/death and non-specific cardiac disease; however, each individual also harbored other cardiogenetic variants (Mellor et al., 2017; Seidelmann et al., 2017); In silico analysis supports that this missense variant does not alter protein structure/function; This variant is associated with the following publications: (PMID: 28087566, 28600387)

CHEO Genetics Diagnostic Laboratory, Children's Hospital of Eastern Ontario
Classification: Uncertain significance for Cardiomyopathy. Last evaluated: 2022-08-30. Review status: criteria provided, single submitter. Criteria: ACMG Guidelines, 2015. Collection method: clinical testing. Allele origin: germline. Study: Canadian Open Genetics Repository.

Ambry Genetics
Classification: Uncertain significance for Cardiovascular phenotype. Last evaluated: 2022-01-31. Review status: criteria provided, single submitter. Criteria: Ambry Variant Classification Scheme 2023. Collection method: clinical testing. Allele origin: germline.

Laboratory for Molecular Medicine, Mass General Brigham Personalized Medicine
Classification: Uncertain significance. Last evaluated: 2013-01-22. Review status: criteria provided, single submitter. Criteria: LMM Criteria. Collection method: clinical testing. Allele origin: germline. Observed: 3 variant alleles.
Comment: This variant has also been identified in 4/8168 European American chromo somes from a broad population by the NHLBI Exome Sequencing Project (.; dbSNP rs201447781). Computational analyses (biochemical amino acid properties, conservation, AlignGVGD, and SIFT) do not provide strong support for or against an impact to the protein. In summary, additional informat ion is needed to fully assess the clinical significance of the Glu205Lys variant .

Literature cited by the submitters: PubMed 31847883 (cited by Labcorp Genetics (formerly Invitae), Labcorp and Women's Health and Genetics/Laboratory Corporation of America, LabCorp); PubMed 38489124 (cited by Labcorp Genetics (formerly Invitae), Labcorp and Women's Health and Genetics/Laboratory Corporation of America, LabCorp); PubMed 28087566 (cited by Women's Health and Genetics/Laboratory Corporation of America, LabCorp); PubMed 28600387 (cited by Women's Health and Genetics/Laboratory Corporation of America, LabCorp).